The following is an entry in ClinVar:

NM_001033855.3(DCLRE1C):c.1333C>T (p.Arg445Cys)

Gene: DCLRE1C (DNA cross-link repair 1C; minus strand). Cytogenetic location: 10p13.
Variant type: single nucleotide variant.
Coding change: c.1333C>T on transcript NM_001033855.3 (MANE Select); coding-DNA position 1333, C replaced by T.
Protein change: p.Arg445Cys; replaces arginine 445 with cysteine.
Molecular consequence: missense variant. On other transcripts: non-coding transcript variant (4).
Genome position (GRCh38, 1-based): chr10:14,909,154, G>A on the plus strand (C>T on the coding strand, the complement: DCLRE1C is on the minus strand). VCF-style: chr10-14909154-G-A. GRCh37 (hg19) VCF-style: chr10-14951153-G-A.
Other names: c.973C>T, p.Arg325Cys (NM_001033857.3, NM_001033858.3, NM_001289077.2 and 2 more transcripts); c.988C>T, p.Arg330Cys (NM_001289076.2, NM_001289078.2, NM_001350966.2 and 1 more transcripts); c.1333C>T, p.Arg445Cys (NM_001350965.2); short protein forms R445C, R330C, R325C.
Identifiers: ClinVar variation 194346 (VCV000194346.7), dbSNP rs774273800, ClinGen allele CA240265.

ClinVar aggregate classification (germline): Uncertain significance. Review status: criteria provided, multiple submitters, no conflicts (2 of 4 stars). 3 submissions from 3 submitters: Uncertain significance (3). Last evaluated 2023-05-20.

Conditions:
Histiocytic medullary reticulosis. Also called: SEVERE COMBINED IMMUNODEFICIENCY WITH HYPEREOSINOPHILIA; Omenn syndrome. Identifiers: Orphanet 39041, MedGen C2700553, MONDO:0011338, OMIM 603554.
Severe combined immunodeficiency due to DCLRE1C deficiency (RS-SCID). Also called: SCID, AUTOSOMAL RECESSIVE, T CELL-NEGATIVE, B CELL-NEGATIVE, NK CELL-POSITIVE, WITH SENSITIVITY TO IONIZING RADIATION. Identifiers: Orphanet 275, MedGen C1865371, MONDO:0011225, OMIM 602450.

Allele frequency attached by ClinVar (database versions not stated): ExAC 0.00001; gnomAD exomes 0.00001 and 0.00002; TOPMed 0.00002.
gnomAD v4.1: 13 of 1,614,142 alleles (0.00081%); highest among the groups gnomAD compares: African/African-American, 0.0013%; no homozygotes.

Submissions (3):

Neuberg Centre For Genomic Medicine, NCGM
Classification: Uncertain significance for Histiocytic medullary reticulosis. Last evaluated: 2023-05-20. Review status: criteria provided, single submitter. Criteria: ACMG Guidelines, 2015. Collection method: clinical testing. Allele origin: germline. Inheritance: Autosomal recessive inheritance. Affected: yes.
Comment: The observed missense variant c.1333C>T (p.Arg445Cys) in the DCLRE1C gene has not been reported previously as a pathogenic variant nor as a benign variant, to our knowledge. This variant is reported with the allele frequency 0.002% in the gnomAD Exomes. This variant has been reported to the ClinVar database as Uncertain significance. However no details are availble for independent assessment. The amino acid Arginine at position 445 is changed to a Cysteine changing protein sequence and it might alter its composition and physico-chemical properties. Computational evidence (Polyphen - Possibly Damaging) predict a damaging effect on protein structure and function for this variant. The residue is conserved by GERP++ and PhyloP across 100 vertebrates. For these reasons, this variant has been classified as Uncertain Significance.

Labcorp Genetics (formerly Invitae), Labcorp
Classification: Uncertain significance for Athabaskan severe combined immunodeficiency. Last evaluated: 2022-03-12. Review status: criteria provided, single submitter. Criteria: Invitae Variant Classification Sherloc (09022015). Collection method: clinical testing. Allele origin: germline.
Comment: This sequence change replaces arginine, which is basic and polar, with cysteine, which is neutral and slightly polar, at codon 445 of the DCLRE1C protein (p.Arg445Cys). This variant is present in population databases (rs774273800, gnomAD 0.01%). This variant has not been reported in the literature in individuals affected with DCLRE1C-related conditions. ClinVar contains an entry for this variant (Variation ID: 194346). Algorithms developed to predict the effect of missense changes on protein structure and function (SIFT, PolyPhen-2, Align-GVGD) all suggest that this variant is likely to be tolerated. In summary, the available evidence is currently insufficient to determine the role of this variant in disease. Therefore, it has been classified as a Variant of Uncertain Significance.

Eurofins Ntd Llc (ga)
Classification: Uncertain significance. Last evaluated: 2018-01-04. Review status: criteria provided, single submitter. Criteria: EGL Classification Definitions 2015. Collection method: clinical testing. Allele origin: germline. Observed: 1 variant allele, 1 heterozygote.